The following is an entry in ClinVar:

ClinVar aggregate classification (germline): Benign/Likely benign. Review status: criteria provided, multiple submitters, no conflicts (2 of 4 stars). 3 submissions from 3 submitters: Benign (1); Likely benign (2). Last evaluated 2025-04-10.

Conditions:
Hereditary cancer-predisposing syndrome. Also called: Neoplastic Syndromes, Hereditary; Hereditary neoplastic syndrome; Hereditary Cancer Syndrome; Tumor predisposition. Identifiers: Orphanet 140162, MedGen C0027672, MeSH D009386, MONDO:0015356.
Tuberous sclerosis 1 (TSC1). Identifiers: Orphanet 805, MedGen C1854465, MONDO:0008612, OMIM 191100.

Submissions (3):

Myriad Genetics, Inc.
Classification: Benign for Tuberous sclerosis 1. Last evaluated: 2025-04-10. Review status: criteria provided, single submitter. Criteria: Myriad Autosomal Dominant, Autosomal Recessive and X-Linked Classification Criteria (2023). Collection method: clinical testing. Allele origin: unknown.
Comment: This variant is considered benign. This variant is a silent/synonymous amino acid change and it is not expected to impact splicing.

Labcorp Genetics (formerly Invitae), Labcorp
Classification: Likely benign for Tuberous sclerosis 1. Last evaluated: 2024-06-21. Review status: criteria provided, single submitter. Criteria: Invitae Variant Classification Sherloc (09022015). Collection method: clinical testing. Allele origin: germline.

Ambry Genetics
Classification: Likely benign for Hereditary cancer-predisposing syndrome. Last evaluated: 2024-05-31. Review status: criteria provided, single submitter. Criteria: Ambry Variant Classification Scheme 2023. Collection method: clinical testing. Allele origin: germline.

NM_000368.5(TSC1):c.1671G>T (p.Leu557=)

Gene: TSC1 (TSC complex subunit 1; minus strand). Cytogenetic location: 9q34.13.
Variant type: single nucleotide variant.
Coding change: c.1671G>T on transcript NM_000368.5 (MANE Select); coding-DNA position 1671, G replaced by T.
Protein change: p.Leu557=; no amino-acid change (leucine 557 retained).
Molecular consequence: synonymous variant.
Genome position (GRCh38, 1-based): chr9:132,905,907, C>A on the plus strand (G>T on the coding strand, the complement: TSC1 is on the minus strand). VCF-style: chr9-132905907-C-A. GRCh37 (hg19) VCF-style: chr9-135781294-C-A.
Other names: c.1668G>T, p.Leu556= (NM_001162426.2); c.1518G>T, p.Leu506= (NM_001162427.2); c.1308G>T, p.Leu436= (NM_001362177.2); c.1671G>T (NM_000368.4).
Identifiers: ClinVar variation 1586893 (VCV001586893.10), dbSNP rs2131833685, ClinGen allele CA467813449.